The following is an entry in ClinVar:

NM_012330.4(KAT6B):c.1346G>A (p.Arg449His)

Gene: KAT6B (lysine acetyltransferase 6B; plus strand). Cytogenetic location: 10q22.2.
Variant type: single nucleotide variant.
Coding change: c.1346G>A on transcript NM_012330.4 (MANE Select); coding-DNA position 1346, G replaced by A.
Protein change: p.Arg449His; replaces arginine 449 with histidine.
Molecular consequence: missense variant. On other transcripts: intron variant (11).
Genome position (GRCh38, 1-based): chr10:74,975,683, G>A. VCF-style: chr10-74975683-G-A. GRCh37 (hg19) VCF-style: chr10-76735441-G-A.
Other names: c.1346G>A (NM_012330.2); c.1346G>A, p.Arg449His (NM_001256468.2, NM_001370136.1, NM_001370137.1 and 1 more transcripts); c.1117+229G>A (NM_001370139.1, NM_001370140.1, NM_001370141.1 and 3 more transcripts); c.846+5908G>A (NM_001370133.1); c.193-3541G>A (NM_001370134.1); c.929-1633G>A (NM_001370143.1, NM_001370144.1); c.193-13336G>A (NM_001370135.1); short protein forms R449H.
Identifiers: ClinVar variation 1466270 (VCV001466270.11), dbSNP rs768502700, ClinGen allele CA5564389.

ClinVar aggregate classification (germline): Conflicting classifications of pathogenicity. Review status: criteria provided, conflicting classifications (1 of 4 stars). 4 submissions from 4 submitters: Uncertain significance (1); Likely benign (3). Last evaluated 2025-02-16.

Conditions:
Inborn genetic diseases. Identifiers: MedGen C0950123, MeSH D030342.
Genitopatellar syndrome (GTPTS). Also called: ABSENT PATELLAE, SCROTAL HYPOPLASIA, RENAL ANOMALIES, FACIAL DYSMORPHISM, AND MENTAL RETARDATION; Genitopatellar syndrome (GPS). Identifiers: Orphanet 85201, MedGen C1853566, MONDO:0011640, OMIM 606170.

Allele frequency attached by ClinVar (database versions not stated): ExAC 0.00001; gnomAD exomes 0.00001 and 0.00002.
gnomAD v4.1: 8 of 1,614,154 alleles (0.0005%); highest among the groups gnomAD compares: Admixed American, 0.0067%; no homozygotes.

Submissions (4):

Laboratory of Genetics, Children's Clinical University Hospital Latvia
Classification: Likely benign. Last evaluated: 2025-02-16. Review status: criteria provided, single submitter. Criteria: ACMG Guidelines, 2015. Collection method: clinical testing. Allele origin: germline. Affected: yes.

Ambry Genetics
Classification: Likely benign for Inborn genetic diseases. Last evaluated: 2024-03-16. Review status: criteria provided, single submitter. Criteria: Ambry Variant Classification Scheme 2023. Collection method: clinical testing. Allele origin: germline.

Labcorp Genetics (formerly Invitae), Labcorp
Classification: Uncertain significance for Genitopatellar syndrome. Last evaluated: 2023-11-28. Review status: criteria provided, single submitter. Criteria: Invitae Variant Classification Sherloc (09022015). Collection method: clinical testing. Allele origin: germline.
Comment: This sequence change replaces arginine, which is basic and polar, with histidine, which is basic and polar, at codon 449 of the KAT6B protein (p.Arg449His). This variant is present in population databases (rs768502700, gnomAD 0.01%). This variant has not been reported in the literature in individuals affected with KAT6B-related conditions. ClinVar contains an entry for this variant (Variation ID: 1466270). An algorithm developed to predict the effect of missense changes on protein structure and function (PolyPhen-2) suggests that this variant is likely to be disruptive. In summary, the available evidence is currently insufficient to determine the role of this variant in disease. Therefore, it has been classified as a Variant of Uncertain Significance.

Blueprint Genetics
Classification: Likely benign. Last evaluated: 2021-02-09. Review status: criteria provided, single submitter. Criteria: ACMG Guidelines, 2015. Collection method: clinical testing. Allele origin: germline.